The following is an entry in ClinVar:

ClinVar aggregate classification (germline): Conflicting classifications of pathogenicity. Review status: criteria provided, conflicting classifications (1 of 4 stars). 4 submissions from 4 submitters: Uncertain significance (2); Likely benign (1). 1 of the submissions does not count toward it. Last evaluated 2025-09-05.

Conditions:
COL7A1-related disorder. Also called: COL7A1-related condition; COL7A1- related disorders.
Inborn genetic diseases. Identifiers: MedGen C0950123, MeSH D030342.
Epidermolysis bullosa dystrophica inversa, autosomal recessive. Identifiers: MedGen C2673612.

Allele frequency attached by ClinVar (database versions not stated): gnomAD exomes 0.00001; gnomAD 0.00002; TOPMed 0.00002; ESP Exome Variant Server 0.00008; ExAC 0.00001.
gnomAD v4.1: 23 of 1,613,430 alleles (0.0014%); highest among the groups gnomAD compares: African/African-American, 0.0027%; no homozygotes.

Submissions (4):

PreventionGenetics, part of Exact Sciences
Classification: Uncertain significance for COL7A1-related condition. Last evaluated: 2025-09-05. Review status: criteria provided, single submitter. Criteria: ACMG Guidelines, 2015. Collection method: clinical testing. Allele origin: germline.
Comment: The COL7A1 c.2249C>T variant is predicted to result in the amino acid substitution p.Thr750Met. To our knowledge, this variant has not been reported in the literature. This variant is reported in 0.0062% of alleles in individuals of African descent in gnomAD. At this time, the clinical significance of this variant is uncertain due to the absence of conclusive functional and genetic evidence.

Ambry Genetics
Classification: Uncertain significance for Inborn genetic diseases. Last evaluated: 2025-03-18. Review status: criteria provided, single submitter. Criteria: Ambry Variant Classification Scheme 2023. Collection method: clinical testing. Allele origin: germline.

Labcorp Genetics (formerly Invitae), Labcorp
Classification: Likely benign. Last evaluated: 2024-05-06. Review status: criteria provided, single submitter. Criteria: Invitae Variant Classification Sherloc (09022015). Collection method: clinical testing. Allele origin: germline.

Natera, Inc.
Classification: Uncertain significance for Autosomal recessive epidermolysis bullosa dystrophica inversa. Last evaluated: 2020-06-12. Review status: no assertion criteria provided. Collection method: clinical testing. Allele origin: germline. Not counted in ClinVar's aggregate classification.

NM_000094.4(COL7A1):c.2249C>T (p.Thr750Met)

Gene: COL7A1 (collagen type VII alpha 1 chain; minus strand). Cytogenetic location: 3p21.31.
Variant type: single nucleotide variant.
Coding change: c.2249C>T on transcript NM_000094.4 (MANE Select); coding-DNA position 2249, C replaced by T.
Protein change: p.Thr750Met; replaces threonine 750 with methionine.
Molecular consequence: missense variant.
Genome position (GRCh38, 1-based): chr3:48,589,392, G>A on the plus strand (C>T on the coding strand, the complement: COL7A1 is on the minus strand). VCF-style: chr3-48589392-G-A. GRCh37 (hg19) VCF-style: chr3-48626825-G-A.
Other names: c.2249C>T (NM_000094.3); short protein forms T750M.
Identifiers: ClinVar variation 990213 (VCV000990213.7), dbSNP rs377763372, ClinGen allele CA2380957.